The following is an entry in ClinVar:

NM_000455.5(STK11):c.876del (p.Glu291_Tyr292insTer)

Gene: STK11 (serine/threonine kinase 11; plus strand). Cytogenetic location: 19p13.3.
Variant type: Deletion.
Coding change: c.876del on transcript NM_000455.5 (MANE Select); coding-DNA position 876, one base deleted (C; older notation c.876delC).
Protein change: p.Glu291_Tyr292insTer.
Molecular consequence: nonsense.
Genome position (GRCh38, 1-based): chr19:1,221,962, C deleted. VCF-style (leftmost placement, unchanged base first): chr19-1221961-AC-A. GRCh37 (hg19) VCF-style: chr19-1221960-AC-A.
Other names: c.876delC (NM_000455.4).
Identifiers: ClinVar variation 428784 (VCV000428784.5), dbSNP rs1131690947, ClinGen allele CA645369739.

ClinVar aggregate classification (germline): Pathogenic (1 of 4 stars; one submission).

Conditions:
Hereditary cancer-predisposing syndrome. Also called: Hereditary Cancer Syndrome; Neoplastic Syndromes, Hereditary; Hereditary neoplastic syndrome; Tumor predisposition. Identifiers: Orphanet 140162, MedGen C0027672, MeSH D009386, MONDO:0015356.

Submission:

Ambry Genetics
Classification: Pathogenic for Hereditary cancer-predisposing syndrome. Last evaluated: 2014-12-24. Review status: criteria provided, single submitter. Criteria: Ambry Variant Classification Scheme 2023. Collection method: clinical testing. Allele origin: germline.
Comment: The c.876delC (p.Y292*) pathogenic mutation, located in coding exon 7 of the STK11 gene, results from a deletion of C at nucleotide position 876. This changes the amino acid from a tyrosine to a stop codon within coding exon 7. Since premature stop codons are typically deleterious in nature, this alteration is interpreted as a disease-causing mutation (ACMG Recommendations for Standards for Interpretation and Reporting of Sequence Variations. Revision 2007. Genet Med. 2008;10:294).